The following is an entry in ClinVar:

NM_003072.5(SMARCA4):c.1941G>A (p.Pro647=)

Gene: SMARCA4 (SWI/SNF related BAF chromatin remodeling complex subunit ATPase 4; plus strand). Cytogenetic location: 19p13.2.
Variant type: single nucleotide variant.
Coding change: c.1941G>A on transcript NM_003072.5 (MANE Select); coding-DNA position 1941, G replaced by A.
Protein change: p.Pro647=; no amino-acid change (proline 647 retained).
Molecular consequence: synonymous variant. On other transcripts: non-coding transcript variant (1).
Genome position (GRCh38, 1-based): chr19:11,003,157, G>A. VCF-style: chr19-11003157-G-A. GRCh37 (hg19) VCF-style: chr19-11113833-G-A.
Other names: c.1941G>A, p.Pro647= (NM_001128844.3, NM_001128845.2, NM_001128846.2 and 5 more transcripts).
Identifiers: ClinVar variation 415090 (VCV000415090.18), dbSNP rs369866257, ClinGen allele CA9203932.

ClinVar aggregate classification (germline): Benign/Likely benign. Review status: criteria provided, multiple submitters, no conflicts (2 of 4 stars). 4 submissions from 4 submitters: Benign (1); Likely benign (3). Last evaluated 2026-07-10.

Conditions:
SMARCA4-related disorder. Also called: SMARCA4-related condition.
Hereditary cancer-predisposing syndrome. Also called: Hereditary Cancer Syndrome; Hereditary neoplastic syndrome; Neoplastic Syndromes, Hereditary; Tumor predisposition. Identifiers: Orphanet 140162, MedGen C0027672, MeSH D009386, MONDO:0015356.
Rhabdoid tumor predisposition syndrome 2 (RTPS2). Identifiers: Orphanet 231108, Orphanet 69077, MedGen C2750074, MONDO:0013224, OMIM 613325.

Allele frequency attached by ClinVar (database versions not stated): TOPMed 0.00010; ExAC 0.00002; gnomAD 0.00006; gnomAD exomes 0.00001 and 0.00002; ESP Exome Variant Server 0.00008.
gnomAD v4.1: 20 of 1,613,972 alleles (0.0012%); highest among the groups gnomAD compares: African/African-American, 0.011%; no homozygotes.

Submissions (4):

Myriad Genetics, Inc.
Classification: Benign for Rhabdoid tumor predisposition syndrome 2. Last evaluated: 2026-07-10. Review status: criteria provided, single submitter. Criteria: Myriad Autosomal Dominant, Autosomal Recessive and X-Linked Classification Criteria (2023). Collection method: clinical testing. Allele origin: unknown.
Comment: This variant is considered benign. This variant is a silent/synonymous amino acid change and it is not expected to impact splicing.

PreventionGenetics, part of Exact Sciences
Classification: Likely benign for SMARCA4-related condition. Last evaluated: 2026-01-20. Review status: criteria provided, single submitter. Criteria: ACMG Guidelines, 2015. Collection method: clinical testing. Allele origin: germline.
Comment: This variant is classified as likely benign based on ACMG/AMP sequence variant interpretation guidelines (Richards et al. 2015 PMID: 25741868, with internal and published modifications).

Labcorp Genetics (formerly Invitae), Labcorp
Classification: Likely benign for Rhabdoid tumor predisposition syndrome 2. Last evaluated: 2025-12-15. Review status: criteria provided, single submitter. Criteria: Invitae Variant Classification Sherloc (09022015). Collection method: clinical testing. Allele origin: germline.

Ambry Genetics
Classification: Likely benign for Hereditary cancer-predisposing syndrome. Last evaluated: 2015-06-23. Review status: criteria provided, single submitter. Criteria: Ambry Variant Classification Scheme 2023. Collection method: clinical testing. Allele origin: germline.